The following is an entry in ClinVar:

NM_001042492.3(NF1):c.7178del (p.His2393fs)

Gene: NF1 (neurofibromin 1; plus strand). Cytogenetic location: 17q11.2.
Variant type: Deletion.
Coding change: c.7178del on transcript NM_001042492.3 (MANE Select); coding-DNA position 7178, one base deleted (A; older notation c.7178delA).
Protein change: p.His2393fs; shifts the reading frame from histidine 2393.
Molecular consequence: frameshift variant.
Genome position (GRCh38, 1-based): chr17:31,343,124, A deleted. VCF-style (leftmost placement, unchanged base first): chr17-31343123-CA-C. GRCh37 (hg19) VCF-style: chr17-29670141-CA-C.
Other names: c.7115delA, p.His2372Profs (NM_000267.4); short protein forms H2372fs, H2393fs.
Identifiers: ClinVar variation 3677159 (VCV003677159.2).

ClinVar aggregate classification (germline): Pathogenic (1 of 4 stars; one submission).

Conditions:
Neurofibromatosis, type 1 (NF1). Also called: VON RECKLINGHAUSEN DISEASE; NEUROFIBROMATOSIS, TYPE I, SOMATIC; Neurofibromatosis, type I; Peripheral type neurofibromatosis. Identifiers: Orphanet 636, MedGen C0027831, MONDO:0018975, OMIM 162200. Disease mechanism: loss of function.

Submission:

Labcorp Genetics (formerly Invitae), Labcorp
Classification: Pathogenic for Neurofibromatosis, type 1. Last evaluated: 2024-04-15. Review status: criteria provided, single submitter. Criteria: Invitae Variant Classification Sherloc (09022015). Collection method: clinical testing. Allele origin: germline.
Comment: This sequence change creates a premature translational stop signal (p.His2372Profs*3) in the NF1 gene. It is expected to result in an absent or disrupted protein product. Loss-of-function variants in NF1 are known to be pathogenic (PMID: 10712197, 23913538). This variant is not present in population databases (gnomAD no frequency). This premature translational stop signal has been observed in individual(s) with breast cancer (PMID: 32427313). For these reasons, this variant has been classified as Pathogenic.

Literature cited by the submitters: PubMed 10712197; PubMed 23913538; PubMed 32427313.